The following is an entry in ClinVar:

ClinVar aggregate classification (germline): Uncertain significance (1 of 4 stars; one submission).

Allele frequency attached by ClinVar (database versions not stated): gnomAD 0.00001.
gnomAD v4.1: 1 of 1,613,364 alleles (0.000062%); highest among the groups gnomAD compares: African/African-American, 0.0013%; no homozygotes.

Submission:

Labcorp Genetics (formerly Invitae), Labcorp
Classification: Uncertain significance. Last evaluated: 2025-04-17. Review status: criteria provided, single submitter. Criteria: Invitae Variant Classification Sherloc (09022015). Collection method: clinical testing. Allele origin: germline.
Comment: This sequence change replaces leucine, which is neutral and non-polar, with valine, which is neutral and non-polar, at codon 19 of the SEC63 protein (p.Leu19Val). This variant is not present in population databases (gnomAD no frequency). This variant has not been reported in the literature in individuals affected with SEC63-related conditions. ClinVar contains an entry for this variant (Variation ID: 2776500). An algorithm developed to predict the effect of missense changes on protein structure and function (PolyPhen-2) suggests that this variant is likely to be disruptive. In summary, the available evidence is currently insufficient to determine the role of this variant in disease. Therefore, it has been classified as a Variant of Uncertain Significance.

NM_007214.5(SEC63):c.55C>G (p.Leu19Val)

Gene: SEC63 (SEC63 protein translocation regulator; minus strand). Cytogenetic location: 6q21.
Variant type: single nucleotide variant.
Coding change: c.55C>G on transcript NM_007214.5 (MANE Select); coding-DNA position 55, C replaced by G.
Protein change: p.Leu19Val; replaces leucine 19 with valine.
Molecular consequence: missense variant.
Genome position (GRCh38, 1-based): chr6:107,957,955, G>C on the plus strand (C>G on the coding strand, the complement: SEC63 is on the minus strand). VCF-style: chr6-107957955-G-C. GRCh37 (hg19) VCF-style: chr6-108279159-G-C.
Other names: short protein forms L19V.
Identifiers: ClinVar variation 2776500 (VCV002776500.3), dbSNP rs1257237510, ClinGen allele CA365179111.